The following is an entry in ClinVar:

NM_004153.4(ORC1):c.1992G>A (p.Met664Ile)

Gene: ORC1 (origin recognition complex subunit 1; minus strand). Cytogenetic location: 1p32.3.
Variant type: single nucleotide variant.
Coding change: c.1992G>A on transcript NM_004153.4 (MANE Select); coding-DNA position 1992, G replaced by A.
Protein change: p.Met664Ile; replaces methionine 664 with isoleucine.
Molecular consequence: missense variant.
Genome position (GRCh38, 1-based): chr1:52,383,441, C>T on the plus strand (G>A on the coding strand, the complement: ORC1 is on the minus strand). VCF-style: chr1-52383441-C-T. GRCh37 (hg19) VCF-style: chr1-52849113-C-T.
Other names: c.1992G>A, p.Met664Ile (NM_001190818.2); c.1977G>A, p.Met659Ile (NM_001190819.2); c.1992G>A (NM_004153.3); short protein forms M659I, M664I.
Identifiers: ClinVar variation 1437162 (VCV001437162.10), dbSNP rs753910439, ClinGen allele CA853157.
Genomic context (GRCh38, chr1:52,383,441, plus strand): 5'-GATCTGCAAGAACAGCATGGGAACTGCCCTAGAACCTACCAGTCGGCTGGACACCCGGTT[C>T]ATCATGATTCGCTCTGGCAGGTCCATTGTGTTGGCAATTGCCAGGACCACAAGCCGGGCC-3'
Protein context (NP_004144.2, residues 654-674): NTMDLPERIM[Met664Ile]NRVSSRLGLT

ClinVar aggregate classification (germline): Uncertain significance. Review status: criteria provided, multiple submitters, no conflicts (2 of 4 stars). 2 submissions from 2 submitters: Uncertain significance (2). Last evaluated 2024-10-01.

Conditions:
Inborn genetic diseases. Identifiers: MedGen C0950123, MeSH D030342.

Allele frequency attached by ClinVar (database versions not stated): TOPMed below 0.00001; gnomAD 0.00001; ExAC 0.00002; gnomAD exomes 0.00002 and 0.00003.
gnomAD v4.1: 47 of 1,612,734 alleles (0.0029%); highest among the groups gnomAD compares: Non-Finnish European, 0.0037%; no homozygotes.

Submissions (2):

Ambry Genetics
Classification: Uncertain significance for Inborn genetic diseases. Last evaluated: 2024-10-01. Review status: criteria provided, single submitter. Criteria: Ambry Variant Classification Scheme 2023. Collection method: clinical testing. Allele origin: germline.

Labcorp Genetics (formerly Invitae), Labcorp
Classification: Uncertain significance. Last evaluated: 2022-02-09. Review status: criteria provided, single submitter. Criteria: Invitae Variant Classification Sherloc (09022015). Collection method: clinical testing. Allele origin: germline.
Comment: In summary, the available evidence is currently insufficient to determine the role of this variant in disease. Therefore, it has been classified as a Variant of Uncertain Significance. Algorithms developed to predict the effect of missense changes on protein structure and function (SIFT, PolyPhen-2, Align-GVGD) all suggest that this variant is likely to be tolerated. This variant has not been reported in the literature in individuals affected with ORC1-related conditions. This variant is present in population databases (rs753910439, gnomAD 0.004%). This sequence change replaces methionine, which is neutral and non-polar, with isoleucine, which is neutral and non-polar, at codon 664 of the ORC1 protein (p.Met664Ile).